The following is an entry in ClinVar:

ClinVar aggregate classification (germline): Uncertain significance (1 of 4 stars; one submission).

Conditions:
Alstrom syndrome (ALMS). Identifiers: Orphanet 64, MedGen C0268425, MONDO:0008763, OMIM 203800.

gnomAD v4.1: 1 of 1,614,120 alleles (0.000062%); highest among the groups gnomAD compares: Non-Finnish European, 0.000085%; no homozygotes.

Submission:

Labcorp Genetics (formerly Invitae), Labcorp
Classification: Uncertain significance for Alstrom syndrome. Last evaluated: 2021-08-19. Review status: criteria provided, single submitter. Criteria: Invitae Variant Classification Sherloc (09022015). Collection method: clinical testing. Allele origin: germline.
Comment: This sequence change replaces leucine with valine at codon 3920 of the ALMS1 protein (p.Leu3920Val). The leucine residue is moderately conserved and there is a small physicochemical difference between leucine and valine. In summary, the available evidence is currently insufficient to determine the role of this variant in disease. Therefore, it has been classified as a Variant of Uncertain Significance. Experimental studies and prediction algorithms are not available or were not evaluated, and the functional significance of this variant is currently unknown. This variant has not been reported in the literature in individuals affected with ALMS1-related conditions. This variant is not present in population databases (ExAC no frequency).

NM_001378454.1(ALMS1):c.11755T>G (p.Leu3919Val)

Gene: ALMS1 (ALMS1 centrosome and basal body associated protein; plus strand). Cytogenetic location: 2p13.1.
Variant type: single nucleotide variant.
Coding change: c.11755T>G on transcript NM_001378454.1 (MANE Select); coding-DNA position 11755, T replaced by G.
Protein change: p.Leu3919Val; replaces leucine 3919 with valine.
Molecular consequence: missense variant.
Genome position (GRCh38, 1-based): chr2:73,600,764, T>G. VCF-style: chr2-73600764-T-G. GRCh37 (hg19) VCF-style: chr2-73827891-T-G.
Other names: c.11758T>G, p.Leu3920Val (NM_015120.4); short protein forms L3920V, L3919V.
Identifiers: ClinVar variation 1358227 (VCV001358227.6), dbSNP rs750372739, ClinGen allele CA347264350.